The following is an entry in ClinVar:

NM_000179.3(MSH6):c.3446T>C (p.Leu1149Ser)

Gene: MSH6 (mutS homolog 6; plus strand). Cytogenetic location: 2p16.3.
Variant type: single nucleotide variant.
Coding change: c.3446T>C on transcript NM_000179.3 (MANE Select); coding-DNA position 3446, T replaced by C.
Protein change: p.Leu1149Ser; replaces leucine 1149 with serine.
Molecular consequence: missense variant. On other transcripts: non-coding transcript variant (4).
Genome position (GRCh38, 1-based): chr2:47,804,917, T>C. VCF-style: chr2-47804917-T-C. GRCh37 (hg19) VCF-style: chr2-48032056-T-C.
Other names: c.3056T>C, p.Leu1019Ser (NM_001281492.2); c.2540T>C, p.Leu847Ser (NM_001281493.2, NM_001281494.2, NM_001406811.1 and 6 more transcripts); c.3542T>C, p.Leu1181Ser (NM_001406795.1, NM_001406802.1); c.3446T>C, p.Leu1149Ser (NM_001406796.1, NM_001406800.1, NM_001406808.1 and 1 more transcripts); c.3149T>C, p.Leu1050Ser (NM_001406797.1, NM_001406801.1, NM_001406805.1 and 10 more transcripts); c.3272T>C, p.Leu1091Ser (NM_001406798.1); c.2921T>C, p.Leu974Ser (NM_001406799.1, NM_001406806.1, NM_001406807.1); c.2582T>C, p.Leu861Ser (NM_001406803.1); and 7 more; short protein forms L1123S, L76S, L861S, L974S, L1093S, L1149S, L1151S, L627S.
Identifiers: ClinVar variation 3633968 (VCV003633968.3).

ClinVar aggregate classification (germline): Uncertain significance. Review status: criteria provided, multiple submitters, no conflicts (2 of 4 stars). 2 submissions from 2 submitters: Uncertain significance (2). Last evaluated 2025-07-03.

Conditions:
Hereditary nonpolyposis colorectal neoplasms. Identifiers: MedGen C0009405, MeSH D003123.
Hereditary cancer-predisposing syndrome. Also called: Neoplastic Syndromes, Hereditary; Tumor predisposition; Hereditary Cancer Syndrome; Hereditary neoplastic syndrome. Identifiers: Orphanet 140162, MedGen C0027672, MeSH D009386, MONDO:0015356.

Submissions (2):

Ambry Genetics
Classification: Uncertain significance for Hereditary cancer-predisposing syndrome. Last evaluated: 2025-07-03. Review status: criteria provided, single submitter. Criteria: Ambry Variant Classification Scheme 2023. Collection method: clinical testing. Allele origin: germline.
Comment: The p.L1149S variant (also known as c.3446T>C), located in coding exon 6 of the MSH6 gene, results from a T to C substitution at nucleotide position 3446. The leucine at codon 1149 is replaced by serine, an amino acid with dissimilar properties. Other variant(s) at the same codon, p.L1149F (c.3447A>C), have been identified in individual(s) whose Lynch syndrome-associated tumors demonstrated isolated loss of MSH6 expression by immunohistochemistry and has also been identified in trans with another MSH6 variant in an individual diagnosed with CMMRD (Ambry internal data). This amino acid position is highly conserved in available vertebrate species. In addition, this alteration is predicted to be deleterious by in silico analysis. Based on the available evidence, the clinical significance of this variant remains unclear.

Labcorp Genetics (formerly Invitae), Labcorp
Classification: Uncertain significance for Hereditary nonpolyposis colorectal neoplasms. Last evaluated: 2024-08-10. Review status: criteria provided, single submitter. Criteria: Invitae Variant Classification Sherloc (09022015). Collection method: clinical testing. Allele origin: germline.
Comment: This sequence change replaces leucine, which is neutral and non-polar, with serine, which is neutral and polar, at codon 1149 of the MSH6 protein (p.Leu1149Ser). This variant is not present in population databases (gnomAD no frequency). This variant has not been reported in the literature in individuals affected with MSH6-related conditions. Advanced modeling of protein sequence and biophysical properties (such as structural, functional, and spatial information, amino acid conservation, physicochemical variation, residue mobility, and thermodynamic stability) performed at Invitae indicates that this missense variant is expected to disrupt MSH6 protein function with a positive predictive value of 80%. In summary, the available evidence is currently insufficient to determine the role of this variant in disease. Therefore, it has been classified as a Variant of Uncertain Significance.